The following is an entry in ClinVar:

NM_000540.3(RYR1):c.3133C>T (p.Leu1045Phe)

Gene: RYR1 (ryanodine receptor 1; plus strand). Cytogenetic location: 19q13.2.
Variant type: single nucleotide variant.
Coding change: c.3133C>T on transcript NM_000540.3 (MANE Select); coding-DNA position 3133, C replaced by T.
Protein change: p.Leu1045Phe; replaces leucine 1045 with phenylalanine.
Molecular consequence: missense variant.
Genome position (GRCh38, 1-based): chr19:38,466,353, C>T. VCF-style: chr19-38466353-C-T. GRCh37 (hg19) VCF-style: chr19-38956993-C-T.
Other names: c.3133C>T, p.Leu1045Phe (NM_001042723.2); short protein forms L1045F.
Identifiers: ClinVar variation 857850 (VCV000857850.9), dbSNP rs1968104774, ClinGen allele CA405635776.

ClinVar aggregate classification (germline): Uncertain significance (1 of 4 stars; one submission).

Conditions:
RYR1-related disorder. Also called: RYR1-related disorders; RYR1-related condition. Identifiers: MedGen CN239331.

Submission:

Labcorp Genetics (formerly Invitae), Labcorp
Classification: Uncertain significance for RYR1-related disorder. Last evaluated: 2019-04-30. Review status: criteria provided, single submitter. Criteria: Invitae Variant Classification Sherloc (09022015). Collection method: clinical testing. Allele origin: germline.
Comment: In summary, the available evidence is currently insufficient to determine the role of this variant in disease. Therefore, it has been classified as a Variant of Uncertain Significance. Algorithms developed to predict the effect of missense changes on protein structure and function are either unavailable or do not agree on the potential impact of this missense change (SIFT: "Deleterious"; PolyPhen-2: "Possibly Damaging"; Align-GVGD: "Class C0"). This variant has not been reported in the literature in individuals with RYR1-related conditions. This variant is not present in population databases (ExAC no frequency). This sequence change replaces leucine with phenylalanine at codon 1045 of the RYR1 protein (p.Leu1045Phe). The leucine residue is highly conserved and there is a small physicochemical difference between leucine and phenylalanine.